The following is an entry in ClinVar:

ClinVar aggregate classification (germline): Likely benign. Review status: criteria provided, multiple submitters, no conflicts (2 of 4 stars). 3 submissions from 3 submitters: Likely benign (2). 1 of the submissions does not count toward it. Last evaluated 2024-03-07.

Conditions:
SKI-related disorder. Also called: SKI-related condition.
Familial thoracic aortic aneurysm and aortic dissection (TAAD). Also called: Thoracic aortic aneurysms and dissections. Identifiers: Orphanet 91387, MedGen C4707243, MONDO:0019625.
Shprintzen-Goldberg syndrome (SGS). Also called: CRANIOSYNOSTOSIS WITH ARACHNODACTYLY AND ABDOMINAL HERNIAS; SHPRINTZEN-GOLDBERG CRANIOSYNOSTOSIS SYNDROME; Marfanoid disorder with craniosynostosis type 1; Marfanoid craniosynostosis syndrome; Shprintzen-Goldberg marfanoid syndrome. Identifiers: Orphanet 2462, MedGen C1321551, MONDO:0008426, OMIM 182212.

Allele frequency attached by ClinVar (database versions not stated): ExAC 0.00004; TOPMed 0.00008; 1000 Genomes Project 0.00020; gnomAD 0.00007; 1000 Genomes Project 30x 0.00016.
gnomAD v4.1: 17 of 1,608,482 alleles (0.0011%); highest among the groups gnomAD compares: African/African-American, 0.023%; no homozygotes.

Submissions (3):

Labcorp Genetics (formerly Invitae), Labcorp
Classification: Likely benign for Shprintzen-Goldberg syndrome. Last evaluated: 2024-03-07. Review status: criteria provided, single submitter. Criteria: Invitae Variant Classification Sherloc (09022015). Collection method: clinical testing. Allele origin: germline.

Ambry Genetics
Classification: Likely benign for Familial thoracic aortic aneurysm and aortic dissection. Last evaluated: 2019-09-08. Review status: criteria provided, single submitter. Criteria: Ambry Variant Classification Scheme 2023. Collection method: clinical testing. Allele origin: germline.

PreventionGenetics, part of Exact Sciences
Classification: Likely benign for SKI-related condition. Last evaluated: 2024-05-15. Review status: no assertion criteria provided. Collection method: clinical testing. Allele origin: germline. Not counted in ClinVar's aggregate classification.
Comment: This variant is classified as likely benign based on ACMG/AMP sequence variant interpretation guidelines (Richards et al. 2015 PMID: 25741868, with internal and published modifications).

NM_003036.4(SKI):c.453G>T (p.Ser151=)

Gene: SKI (SKI proto-oncogene; plus strand). Cytogenetic location: 1p36.33.
Variant type: single nucleotide variant.
Coding change: c.453G>T on transcript NM_003036.4 (MANE Select); coding-DNA position 453, G replaced by T.
Protein change: p.Ser151=; no amino-acid change (serine 151 retained).
Molecular consequence: synonymous variant.
Genome position (GRCh38, 1-based): chr1:2,229,219, G>T. VCF-style: chr1-2229219-G-T. GRCh37 (hg19) VCF-style: chr1-2160658-G-T.
Identifiers: ClinVar variation 1741344 (VCV001741344.5), dbSNP rs566906261, ClinGen allele CA536395.